The following is an entry in ClinVar:

ClinVar aggregate classification (germline): Uncertain significance (1 of 4 stars; one submission).

Conditions:
Duchenne muscular dystrophy (DMD). Also called: MUSCULAR DYSTROPHY, PSEUDOHYPERTROPHIC PROGRESSIVE, DUCHENNE TYPE; Duchenne Muscular Dystrophy (DMD). Identifiers: Orphanet 98896, MedGen C0013264, MONDO:0010679, OMIM 310200.

Submission:

Labcorp Genetics (formerly Invitae), Labcorp
Classification: Uncertain significance for Duchenne muscular dystrophy. Last evaluated: 2022-07-09. Review status: criteria provided, single submitter. Criteria: Invitae Variant Classification Sherloc (09022015). Collection method: clinical testing. Allele origin: germline.
Comment: This sequence change replaces aspartic acid, which is acidic and polar, with asparagine, which is neutral and polar, at codon 2094 of the DMD protein (p.Asp2094Asn). This variant is not present in population databases (gnomAD no frequency). This variant has not been reported in the literature in individuals affected with DMD-related conditions. Algorithms developed to predict the effect of missense changes on protein structure and function are either unavailable or do not agree on the potential impact of this missense change (SIFT: "Deleterious"; PolyPhen-2: "Benign"; Align-GVGD: "Class C0"). In summary, the available evidence is currently insufficient to determine the role of this variant in disease. Therefore, it has been classified as a Variant of Uncertain Significance.

NM_004006.3(DMD):c.6280G>A (p.Asp2094Asn)

Gene: DMD (dystrophin; minus strand). Cytogenetic location: Xp21.1.
Variant type: single nucleotide variant.
Coding change: c.6280G>A on transcript NM_004006.3 (MANE Select); coding-DNA position 6280, G replaced by A.
Protein change: p.Asp2094Asn; replaces aspartic acid 2094 with asparagine.
Molecular consequence: missense variant.
Genome position (GRCh38, 1-based): chrX:32,287,539, C>T on the plus strand (G>A on the coding strand, the complement: DMD is on the minus strand). VCF-style: chrX-32287539-C-T. GRCh37 (hg19) VCF-style: chrX-32305656-C-T.
Other names: c.6256G>A, p.Asp2086Asn (NM_000109.4); c.6268G>A, p.Asp2090Asn (NM_004009.3); c.5911G>A, p.Asp1971Asn (NM_004010.3); c.2257G>A, p.Asp753Asn (NM_004011.4); c.2248G>A, p.Asp750Asn (NM_004012.4); short protein forms D2086N, D753N, D1971N, D2094N, D2090N, D750N.
Identifiers: ClinVar variation 2167201 (VCV002167201.1), dbSNP rs2519919014, ClinGen allele CA412665558.
Genomic context (GRCh38, chrX:32,287,539, plus strand): 5'-GAAAACAAATCATTTCTGCAAGTATCAAGAAAAATATATGTGTTACCTACCCTTGTCGGT[C>T]CTTGTACATTTTGTTAACTTTTTCCCATTGGAAATCAAGCTGGGAGAGAGCTTCCTGTAG-3'
Protein context (NP_003997.2, residues 2084-2104): QWEKVNKMYK[Asp2094Asn]RQGRFDRSVE